The following is an entry in ClinVar:

ClinVar aggregate classification (germline): Uncertain significance (1 of 4 stars; one submission).

Conditions:
Cardiovascular phenotype. Identifiers: MedGen CN230736.

gnomAD v4.1: 4 of 1,605,580 alleles (0.00025%); highest among the groups gnomAD compares: Non-Finnish European, 0.00025%; no homozygotes.

Submission:

Ambry Genetics
Classification: Uncertain significance for Cardiovascular phenotype. Last evaluated: 2024-03-30. Review status: criteria provided, single submitter. Criteria: Ambry Variant Classification Scheme 2023. Collection method: clinical testing. Allele origin: germline.
Comment: The p.A88T variant (also known as c.262G>A), located in coding exon 2 of the JUP gene, results from a G to A substitution at nucleotide position 262. The alanine at codon 88 is replaced by threonine, an amino acid with similar properties. This amino acid position is conserved. In addition, the in silico prediction for this alteration is inconclusive. Based on the available evidence, the clinical significance of this alteration remains unclear.

NM_002230.4(JUP):c.262G>A (p.Ala88Thr)

Gene: JUP (junction plakoglobin; minus strand). Cytogenetic location: 17q21.2.
Variant type: single nucleotide variant.
Coding change: c.262G>A on transcript NM_002230.4 (MANE Select); coding-DNA position 262, G replaced by A.
Protein change: p.Ala88Thr; replaces alanine 88 with threonine.
Molecular consequence: missense variant.
Genome position (GRCh38, 1-based): chr17:41,769,624, C>T on the plus strand (G>A on the coding strand, the complement: JUP is on the minus strand). VCF-style: chr17-41769624-C-T. GRCh37 (hg19) VCF-style: chr17-39925876-C-T.
Other names: c.262G>A, p.Ala88Thr (NM_001352773.2, NM_001352774.2, NM_001352775.2 and 3 more transcripts); short protein forms A88T.
Identifiers: ClinVar variation 3287288 (VCV003287288.1).
Genomic context (GRCh38, chr17:41,769,624, plus strand): 5'-CCTCCACCTGGGTGGCCAGCAGAAGCGAGCTGTCCTCGCCTGACACACCAGGGCACATGG[C>T]CTCCCGCACCCGTTTGGCCCTGGCTGTTGTGGACATCTGGTACTCCAGATCACCTGGGGG-3'
Protein context (NP_002221.1, residues 78-98): TTARAKRVRE[Ala88Thr]MCPGVSGEDS